The following is an entry in ClinVar:

NM_145117.5(NAV2):c.6516C>A (p.His2172Gln)

Gene: NAV2 (neuron navigator 2; plus strand). Cytogenetic location: 11p15.1.
Variant type: single nucleotide variant.
Coding change: c.6516C>A on transcript NM_145117.5 (MANE Select); coding-DNA position 6516, C replaced by A.
Protein change: p.His2172Gln; replaces histidine 2172 with glutamine.
Molecular consequence: missense variant.
Genome position (GRCh38, 1-based): chr11:20,103,353, C>A. VCF-style: chr11-20103353-C-A. GRCh37 (hg19) VCF-style: chr11-20124899-C-A.
Other names: c.6324C>A, p.His2108Gln (NM_001111018.2); c.3708C>A, p.His1236Gln (NM_001111019.3); c.6693C>A, p.His2231Gln (NM_001244963.2); c.6525C>A, p.His2175Gln (NM_182964.6); short protein forms H1236Q, H2108Q, H2172Q, H2175Q, H2231Q.
Identifiers: ClinVar variation 2498508 (VCV002498508.28), dbSNP rs138671489, ClinGen allele CA379909034.

ClinVar aggregate classification (germline): Uncertain significance (1 of 4 stars; one submission).

Submission:

CeGaT Center for Human Genetics Tuebingen
Classification: Uncertain significance. Last evaluated: 2023-03-01. Review status: criteria provided, single submitter. Criteria: CeGaT Center For Human Genetics Tuebingen Variant Classification Criteria Version 2. Collection method: clinical testing. Allele origin: germline. Affected: yes. Observed: 1 variant allele.
Comment: NAV2: PM2, PP3